The following is an entry in ClinVar:

NM_001447.3(FAT2):c.3859G>C (p.Asp1287His)

Genes: SLC36A1 (solute carrier family 36 member 1; plus strand), FAT2 (FAT atypical cadherin 2; minus strand). Cytogenetic location: 5q33.1.
Variant type: single nucleotide variant.
Coding change: c.3859G>C on transcript NM_001447.3 (MANE Select); coding-DNA position 3859, G replaced by C.
Protein change: p.Asp1287His; replaces aspartic acid 1287 with histidine.
Molecular consequence: missense variant.
Genome position (GRCh38, 1-based): chr5:151,554,448, C>G on the plus strand (G>C on the coding strand, the complement: FAT2 is on the minus strand). VCF-style: chr5-151554448-C-G. GRCh37 (hg19) VCF-style: chr5-150934009-C-G.
Other names: short protein forms D1287H.
Identifiers: ClinVar variation 2055442 (VCV002055442.3), dbSNP rs756056445, ClinGen allele CA3521715.

ClinVar aggregate classification (germline): Uncertain significance (1 of 4 stars; one submission).

Allele frequency attached by ClinVar (database versions not stated): gnomAD 0.00001; TOPMed 0.00003; ExAC 0.00004.
gnomAD v4.1: 17 of 1,614,088 alleles (0.0011%); highest among the groups gnomAD compares: Admixed American, 0.012%; no homozygotes.

Submission:

Labcorp Genetics (formerly Invitae), Labcorp
Classification: Uncertain significance. Last evaluated: 2026-01-03. Review status: criteria provided, single submitter. Criteria: Invitae Variant Classification Sherloc (09022015). Collection method: clinical testing. Allele origin: germline.
Comment: This sequence change replaces aspartic acid, which is acidic and polar, with histidine, which is basic and polar, at codon 1287 of the FAT2 protein (p.Asp1287His). This variant is present in population databases (rs756056445, gnomAD 0.02%). This variant has not been reported in the literature in individuals affected with FAT2-related conditions. ClinVar contains an entry for this variant (Variation ID: 2055442). Invitae Evidence Modeling of protein sequence and biophysical properties (such as structural, functional, and spatial information, amino acid conservation, physicochemical variation, residue mobility, and thermodynamic stability) has been performed for this missense variant. However, the output from this modeling did not meet the statistical confidence thresholds required to predict the impact of this variant on FAT2 protein function. In summary, the available evidence is currently insufficient to determine the role of this variant in disease. Therefore, it has been classified as a Variant of Uncertain Significance.